The following is an entry in ClinVar:

NM_000428.3(LTBP2):c.2884A>G (p.Met962Val)

Gene: LTBP2 (latent transforming growth factor beta binding protein 2; minus strand). Cytogenetic location: 14q24.3.
Variant type: single nucleotide variant.
Coding change: c.2884A>G on transcript NM_000428.3 (MANE Select); coding-DNA position 2884, A replaced by G.
Protein change: p.Met962Val; replaces methionine 962 with valine.
Molecular consequence: missense variant.
Genome position (GRCh38, 1-based): chr14:74,516,846, T>C on the plus strand (A>G on the coding strand, the complement: LTBP2 is on the minus strand). VCF-style: chr14-74516846-T-C. GRCh37 (hg19) VCF-style: chr14-74983549-T-C.
Other names: short protein forms M962V.
Identifiers: ClinVar variation 1370505 (VCV001370505.8), dbSNP rs2139704312, ClinGen allele CA390390409.

ClinVar aggregate classification (germline): Uncertain significance (1 of 4 stars; one submission).

Allele frequency attached by ClinVar (database versions not stated): gnomAD exomes below 0.00001.
gnomAD v4.1: 1 of 1,551,864 alleles (0.000064%); highest among the groups gnomAD compares: Non-Finnish European, 0.000087%; no homozygotes.

Submission:

Labcorp Genetics (formerly Invitae), Labcorp
Classification: Uncertain significance. Last evaluated: 2022-06-20. Review status: criteria provided, single submitter. Criteria: Invitae Variant Classification Sherloc (09022015). Collection method: clinical testing. Allele origin: germline.
Comment: In summary, the available evidence is currently insufficient to determine the role of this variant in disease. Therefore, it has been classified as a Variant of Uncertain Significance. Algorithms developed to predict the effect of missense changes on protein structure and function are either unavailable or do not agree on the potential impact of this missense change (SIFT: "Deleterious"; PolyPhen-2: "Benign"; Align-GVGD: "Class C15"). This variant has not been reported in the literature in individuals affected with LTBP2-related conditions. This variant is not present in population databases (gnomAD no frequency). This sequence change replaces methionine, which is neutral and non-polar, with valine, which is neutral and non-polar, at codon 962 of the LTBP2 protein (p.Met962Val).